The following is an entry in ClinVar:

ClinVar aggregate classification (germline): Uncertain significance (1 of 4 stars; one submission).

Conditions:
Pyruvate carboxylase deficiency. Also called: Pyruvate Carboxylase Deficiency Disease; ATAXIA WITH LACTIC ACIDOSIS II; LEIGH NECROTIZING ENCEPHALOPATHY DUE TO PYRUVATE CARBOXYLASE DEFICIENCY; LEIGH SYNDROME DUE TO PYRUVATE CARBOXYLASE DEFICIENCY; PC DEFICIENCY. Identifiers: Orphanet 3008, MedGen C0034341, MONDO:0009949, OMIM 266150.

Allele frequency attached by ClinVar (database versions not stated): gnomAD 0.00001.
gnomAD v4.1: 3 of 1,613,664 alleles (0.00019%); highest among the groups gnomAD compares: Non-Finnish European, 0.00025%; no homozygotes.

Submission:

Labcorp Genetics (formerly Invitae), Labcorp
Classification: Uncertain significance for Pyruvate carboxylase deficiency. Last evaluated: 2023-07-17. Review status: criteria provided, single submitter. Criteria: Invitae Variant Classification Sherloc (09022015). Collection method: clinical testing. Allele origin: germline.
Comment: In summary, the available evidence is currently insufficient to determine the role of this variant in disease. Therefore, it has been classified as a Variant of Uncertain Significance. Advanced modeling of protein sequence and biophysical properties (such as structural, functional, and spatial information, amino acid conservation, physicochemical variation, residue mobility, and thermodynamic stability) has been performed at Invitae for this missense variant, however the output from this modeling did not meet the statistical confidence thresholds required to predict the impact of this variant on PC protein function. ClinVar contains an entry for this variant (Variation ID: 2094544). This variant has not been reported in the literature in individuals affected with PC-related conditions. This variant is present in population databases (no rsID available, gnomAD 0.007%). This sequence change replaces arginine, which is basic and polar, with tryptophan, which is neutral and slightly polar, at codon 398 of the PC protein (p.Arg398Trp).

NM_001040716.2(PC):c.1192C>T (p.Arg398Trp)

Gene: PC (pyruvate carboxylase; minus strand). Cytogenetic location: 11q13.2.
Variant type: single nucleotide variant.
Coding change: c.1192C>T on transcript NM_001040716.2 (MANE Select); coding-DNA position 1192, C replaced by T.
Protein change: p.Arg398Trp; replaces arginine 398 with tryptophan.
Molecular consequence: missense variant.
Genome position (GRCh38, 1-based): chr11:66,863,950, G>A on the plus strand (C>T on the coding strand, the complement: PC is on the minus strand). VCF-style: chr11-66863950-G-A. GRCh37 (hg19) VCF-style: chr11-66631421-G-A.
Other names: c.1192C>T, p.Arg398Trp (NM_000920.4, NM_022172.3); short protein forms R398W.
Identifiers: ClinVar variation 2094544 (VCV002094544.4), dbSNP rs1276461262, ClinGen allele CA381499059.